The following is an entry in ClinVar:

ClinVar aggregate classification (germline): Pathogenic (1 of 4 stars; one submission).

Conditions:
Joubert syndrome and related disorders. Identifiers: Orphanet 140874, MedGen C5679612, MONDO:0015369.

Submission:

Myriad Genetics, Inc.
Classification: Pathogenic for Joubert syndrome and related disorders. Last evaluated: 2024-11-06. Review status: criteria provided, single submitter. Criteria: Myriad Autosomal Dominant, Autosomal Recessive and X-Linked Classification Criteria (2023). Collection method: clinical testing. Allele origin: unknown.
Comment: NM_001080522.2(CC2D2A):c.3776_3777delAG(E1259Vfs*5) is expected to be pathogenic in the context of CC2D2A-related disorders. This variant is predicted to lead to an abnormal or absent protein product due to the creation of a premature termination codon in CC2D2A, a gene where loss-of-function variants are known to be pathogenic. Please note: this variant was assessed in the context of healthy population screening.

NM_001378615.1(CC2D2A):c.3776_3777del (p.Glu1259fs)

Genes: CC2D2A (coiled-coil and C2 domain containing 2A; plus strand), FBXL5 (F-box and leucine rich repeat protein 5; minus strand). Cytogenetic location: 4p15.32.
Variant type: Deletion.
Coding change: c.3776_3777del on transcript NM_001378615.1 (MANE Select); coding-DNA positions 3776 to 3777, 2 bases deleted (AG; older notation c.3776_3777delAG).
Protein change: p.Glu1259fs; shifts the reading frame from glutamic acid 1259.
Molecular consequence: frameshift variant.
Genome position (GRCh38, 1-based): chr4:15,579,972-15,579,973, AG deleted; deleting any 2 consecutive bases within chr4:15,579,971-15,579,973 gives the same sequence; the c. name uses the placement nearest the transcript's 3' end. VCF-style (leftmost placement, unchanged base first): chr4-15579970-TGA-T. GRCh37 (hg19) VCF-style: chr4-15581593-TGA-T.
Other names: c.3776_3777del, p.Glu1259fs (NM_001080522.2); c.3629_3630del, p.Glu1210fs (NM_001378617.1); short protein forms E1210fs, E1259fs.
Identifiers: ClinVar variation 5013714 (VCV005013714.1).